The following is an entry in ClinVar:

NM_003718.5(CDK13):c.1132C>T (p.Arg378Trp)

Gene: CDK13 (cyclin dependent kinase 13; plus strand). Cytogenetic location: 7p14.1.
Variant type: single nucleotide variant.
Coding change: c.1132C>T on transcript NM_003718.5 (MANE Select); coding-DNA position 1132, C replaced by T.
Protein change: p.Arg378Trp; replaces arginine 378 with tryptophan.
Molecular consequence: missense variant.
Genome position (GRCh38, 1-based): chr7:39,951,773, C>T. VCF-style: chr7-39951773-C-T. GRCh37 (hg19) VCF-style: chr7-39991372-C-T.
Other names: c.1132C>T, p.Arg378Trp (NM_031267.4); short protein forms R378W.
Identifiers: ClinVar variation 2844796 (VCV002844796.3), dbSNP rs2116072453, ClinGen allele CA367311655.

ClinVar aggregate classification (germline): Uncertain significance (1 of 4 stars; one submission).

Allele frequency attached by ClinVar (database versions not stated): gnomAD exomes below 0.00001.
gnomAD v4.1: 1 of 1,478,518 alleles (0.000068%); highest among the groups gnomAD compares: East Asian, 0.0025%; no homozygotes.

Submission:

Labcorp Genetics (formerly Invitae), Labcorp
Classification: Uncertain significance. Last evaluated: 2023-03-10. Review status: criteria provided, single submitter. Criteria: Invitae Variant Classification Sherloc (09022015). Collection method: clinical testing. Allele origin: germline.
Comment: This sequence change replaces arginine, which is basic and polar, with tryptophan, which is neutral and slightly polar, at codon 378 of the CDK13 protein (p.Arg378Trp). This variant is not present in population databases (gnomAD no frequency). This variant has not been reported in the literature in individuals affected with CDK13-related conditions. Advanced modeling of protein sequence and biophysical properties (such as structural, functional, and spatial information, amino acid conservation, physicochemical variation, residue mobility, and thermodynamic stability) has been performed at Invitae for this missense variant, however the output from this modeling did not meet the statistical confidence thresholds required to predict the impact of this variant on CDK13 protein function. In summary, the available evidence is currently insufficient to determine the role of this variant in disease. Therefore, it has been classified as a Variant of Uncertain Significance.